The following is an entry in ClinVar:

ClinVar aggregate classification (germline): Uncertain significance. Review status: criteria provided, multiple submitters, no conflicts (2 of 4 stars). 4 submissions from 4 submitters: Uncertain significance (4). Last evaluated 2025-10-14.

Conditions:
Dyskeratosis congenita, autosomal dominant 3. Identifiers: MedGen C3151445, MONDO:0013522, OMIM 613990.
Revesz syndrome. Also called: DYSKERATOSIS CONGENITA, AUTOSOMAL DOMINANT 5; EXUDATIVE RETINOPATHY WITH BONE MARROW FAILURE. Identifiers: Orphanet 3088, MedGen C1327916, MONDO:0009990, OMIM 268130.
Dyskeratosis congenita. Identifiers: Orphanet 1775, MedGen C0265965, MONDO:0015780.

Allele frequency attached by ClinVar (database versions not stated): ExAC 0.00002; gnomAD exomes 0.00003; gnomAD 0.00008 and 0.00010; ESP Exome Variant Server 0.00016; TOPMed 0.00017.
gnomAD v4.1: 64 of 1,614,006 alleles (0.004%); highest among the groups gnomAD compares: African/African-American, 0.064%; 1 homozygote.

Submissions (4):

Labcorp Genetics (formerly Invitae), Labcorp
Classification: Uncertain significance for Dyskeratosis congenita. Last evaluated: 2025-10-14. Review status: criteria provided, single submitter. Criteria: Invitae Variant Classification Sherloc (09022015). Collection method: clinical testing. Allele origin: germline.
Comment: This sequence change replaces proline, which is neutral and non-polar, with serine, which is neutral and polar, at codon 344 of the TINF2 protein (p.Pro344Ser). This variant is present in population databases (rs200454893, gnomAD 0.04%). This variant has not been reported in the literature in individuals affected with TINF2-related conditions. ClinVar contains an entry for this variant (Variation ID: 655611). An algorithm developed to predict the effect of missense changes on protein structure and function outputs the following: PolyPhen-2: "Possibly Damaging". The serine amino acid residue is found in multiple mammalian species, which suggests that this missense change does not adversely affect protein function. In summary, the available evidence is currently insufficient to determine the role of this variant in disease. Therefore, it has been classified as a Variant of Uncertain Significance.

Women's Health and Genetics/Laboratory Corporation of America, LabCorp
Classification: Uncertain significance. Last evaluated: 2024-12-26. Review status: criteria provided, single submitter. Criteria: LabCorp Variant Classification Summary - May 2015. Collection method: clinical testing. Allele origin: germline.
Comment: Variant summary: TINF2 c.1030C>T (p.Pro344Ser) results in a non-conservative amino acid change in the encoded protein sequence. Four of five in-silico tools predict a benign effect of the variant on protein function. The variant allele was found at a frequency of 2.4e-05 in 249568 control chromosomes. The available data on variant occurrences in the general population are insufficient to allow any conclusion about variant significance. To our knowledge, no occurrence of c.1030C>T in individuals affected with TINF2-Related Disorders and no experimental evidence demonstrating its impact on protein function have been reported. ClinVar contains an entry for this variant (Variation ID: 655611). Based on the evidence outlined above, the variant was classified as uncertain significance.

GeneDx
Classification: Uncertain significance. Last evaluated: 2024-10-29. Review status: criteria provided, single submitter. Criteria: GeneDx Variant Classification Process June 2021. Collection method: clinical testing. Allele origin: germline. Affected: yes.
Comment: In silico analysis supports that this missense variant has a deleterious effect on protein structure/function; Has not been previously published as pathogenic or benign to our knowledge

Fulgent Genetics
Classification: Uncertain significance for Revesz syndrome; Dyskeratosis congenita, autosomal dominant 3. Last evaluated: 2024-06-10. Review status: criteria provided, single submitter. Criteria: ACMG Guidelines, 2015. Collection method: clinical testing. Allele origin: germline.

NM_001099274.3(TINF2):c.1030C>T (p.Pro344Ser)

Gene: TINF2 (TERF1 interacting nuclear factor 2; minus strand). Cytogenetic location: 14q12.
Variant type: single nucleotide variant.
Coding change: c.1030C>T on transcript NM_001099274.3 (MANE Select); coding-DNA position 1030, C replaced by T.
Protein change: p.Pro344Ser; replaces proline 344 with serine.
Molecular consequence: missense variant.
Genome position (GRCh38, 1-based): chr14:24,240,450, G>A on the plus strand (C>T on the coding strand, the complement: TINF2 is on the minus strand). VCF-style: chr14-24240450-G-A. GRCh37 (hg19) VCF-style: chr14-24709656-G-A.
Other names: c.925C>T, p.Pro309Ser (NM_001363668.2); c.1030C>T, p.Pro344Ser (NM_012461.3); short protein forms P309S, P344S.
Identifiers: ClinVar variation 655611 (VCV000655611.14), dbSNP rs200454893, ClinGen allele CA7130527.